The following is an entry in ClinVar:

ClinVar aggregate classification (germline): Uncertain significance (1 of 4 stars; one submission).

Conditions:
Primary dilated cardiomyopathy (DCM). Also called: Dilated Cardiomyopathy. Identifiers: Orphanet 217604, MedGen C0007193, MeSH D002311, MONDO:0005021, HP:0001644. Inheritance: Various modes of inheritance.

Submission:

Labcorp Genetics (formerly Invitae), Labcorp
Classification: Uncertain significance for Primary dilated cardiomyopathy. Last evaluated: 2023-08-17. Review status: criteria provided, single submitter. Criteria: Invitae Variant Classification Sherloc (09022015). Collection method: clinical testing. Allele origin: germline.
Comment: In summary, the available evidence is currently insufficient to determine the role of this variant in disease. Therefore, it has been classified as a Variant of Uncertain Significance. Advanced modeling of protein sequence and biophysical properties (such as structural, functional, and spatial information, amino acid conservation, physicochemical variation, residue mobility, and thermodynamic stability) performed at Invitae indicates that this missense variant is not expected to disrupt FHL2 protein function. ClinVar contains an entry for this variant (Variation ID: 1389833). This variant has not been reported in the literature in individuals affected with FHL2-related conditions. This variant is not present in population databases (gnomAD no frequency). This sequence change replaces lysine, which is basic and polar, with arginine, which is basic and polar, at codon 166 of the FHL2 protein (p.Lys166Arg).

NM_001318895.3(FHL2):c.497A>G (p.Lys166Arg)

Genes: FHL2 (four and a half LIM domains 2; minus strand), C2orf49 (chromosome 2 open reading frame 49; plus strand). Cytogenetic location: 2q12.2.
Variant type: single nucleotide variant.
Coding change: c.497A>G on transcript NM_001318895.3 (MANE Select); coding-DNA position 497, A replaced by G.
Protein change: p.Lys166Arg; replaces lysine 166 with arginine.
Molecular consequence: missense variant.
Genome position (GRCh38, 1-based): chr2:105,367,574, T>C on the plus strand (A>G on the coding strand, the complement: FHL2 is on the minus strand). VCF-style: chr2-105367574-T-C. GRCh37 (hg19) VCF-style: chr2-105984031-T-C.
Other names: c.497A>G, p.Lys166Arg (NM_001039492.3, NM_001318894.1, NM_001318896.2 and 4 more transcripts); c.155A>G, p.Lys52Arg (NM_001318897.2, NM_001318898.2); c.173A>G, p.Lys58Arg (NM_001318899.2); short protein forms K52R, K166R, K58R.
Identifiers: ClinVar variation 1389833 (VCV001389833.6), dbSNP rs2104506293, ClinGen allele CA347999360.